The following is an entry in ClinVar:

ClinVar aggregate classification (germline): Uncertain significance (1 of 4 stars; one submission).

Allele frequency attached by ClinVar (database versions not stated): TOPMed 0.00001.

Submission:

GeneDx
Classification: Uncertain significance. Last evaluated: 2022-12-01. Review status: criteria provided, single submitter. Criteria: GeneDx Variant Classification Process June 2021. Collection method: clinical testing. Allele origin: germline. Affected: yes.
Comment: Not observed at significant frequency in large population cohorts (gnomAD); In silico analysis supports that this missense variant does not alter protein structure/function; Has not been previously published as pathogenic or benign to our knowledge

NM_000240.4(MAOA):c.1267A>G (p.Ile423Val)

Gene: MAOA (monoamine oxidase A; plus strand). Cytogenetic location: Xp11.3.
Variant type: single nucleotide variant.
Coding change: c.1267A>G on transcript NM_000240.4 (MANE Select); coding-DNA position 1267, A replaced by G.
Protein change: p.Ile423Val; replaces isoleucine 423 with valine.
Molecular consequence: missense variant.
Genome position (GRCh38, 1-based): chrX:43,743,798, A>G. VCF-style: chrX-43743798-A-G. GRCh37 (hg19) VCF-style: chrX-43603045-A-G.
Other names: c.868A>G, p.Ile290Val (NM_001270458.2); short protein forms I290V, I423V.
Identifiers: ClinVar variation 2504508 (VCV002504508.1), dbSNP rs2033978127, ClinGen allele CA413010193.